The following is an entry in ClinVar:

ClinVar aggregate classification (germline): Benign. Review status: criteria provided, multiple submitters, no conflicts (2 of 4 stars). 10 submissions from 10 submitters: Benign (9). 1 of the submissions does not count toward it. Last evaluated 2026-07-02.

Conditions:
RNF43-related disorder. Also called: RNF43-related condition.
Hereditary cancer-predisposing syndrome. Also called: Hereditary Cancer Syndrome; Hereditary neoplastic syndrome; Neoplastic Syndromes, Hereditary; Tumor predisposition. Identifiers: Orphanet 140162, MedGen C0027672, MeSH D009386, MONDO:0015356.
Sessile serrated polyposis cancer syndrome (SSPCS). Identifiers: Orphanet 157798, MedGen C4310714, MONDO:0014919, OMIM 617108.

Allele frequency attached by ClinVar (database versions not stated): 1000 Genomes Project 30x 0.07808; gnomAD exomes 0.09723; gnomAD 0.11464 and 0.11193; ExAC 0.09743; TOPMed 0.11070; ESP Exome Variant Server 0.12325; 1000 Genomes Project 0.07827.
gnomAD v4.1: 183,759 of 1,611,466 alleles (11%); highest among the groups gnomAD compares: Middle Eastern, 15%; 11,173 homozygotes.

Submissions (10):

Myriad Genetics, Inc.
Classification: Benign for Sessile serrated polyposis cancer syndrome. Last evaluated: 2026-07-02. Review status: criteria provided, single submitter. Criteria: Myriad Autosomal Dominant, Autosomal Recessive and X-Linked Classification Criteria (2023). Collection method: clinical testing. Allele origin: unknown.
Comment: This variant is considered benign. This variant has been observed at a population frequency that is significantly greater than expected given the associated disease prevalence and penetrance.

Labcorp Genetics (formerly Invitae), Labcorp
Classification: Benign. Last evaluated: 2026-02-04. Review status: criteria provided, single submitter. Criteria: Invitae Variant Classification Sherloc (09022015). Collection method: clinical testing. Allele origin: germline.

GeneKor MSA
Classification: Benign for Hereditary cancer-predisposing syndrome. Last evaluated: 2025-07-10. Review status: criteria provided, single submitter. Criteria: ACMG Guidelines, 2015. Collection method: clinical testing. Allele origin: germline.

Blueprint Genetics
Classification: Benign. Last evaluated: 2024-11-27. Review status: criteria provided, single submitter. Criteria: ACMG Guidelines, 2015. Collection method: clinical testing. Allele origin: germline.

Ambry Genetics
Classification: Benign. Last evaluated: 2024-10-18. Review status: criteria provided, single submitter. Criteria: Ambry Variant Classification Scheme 2023. Collection method: clinical testing. Allele origin: germline.

Mayo Clinic Laboratories, Mayo Clinic
Classification: Benign. Last evaluated: 2022-03-24. Review status: criteria provided, single submitter. Criteria: ACMG Guidelines, 2015. Collection method: clinical testing. Allele origin: germline. Observed: 101 variant alleles.

Genome-Nilou Lab
Classification: Benign for Sessile serrated polyposis cancer syndrome. Last evaluated: 2021-11-07. Review status: criteria provided, single submitter. Criteria: ACMG Guidelines, 2015. Collection method: clinical testing. Allele origin: germline. Affected: no.

GeneDx
Classification: Benign. Last evaluated: 2019-06-14. Review status: criteria provided, single submitter. Criteria: GeneDx Variant Classification Process June 2021. Collection method: clinical testing. Allele origin: germline. Affected: yes.

Breakthrough Genomics
Classification: Benign. Review status: criteria provided, single submitter. Criteria: ACMG Guidelines, 2015. Collection method: not provided. Allele origin: germline. Inheritance: Autosomal dominant inheritance. Affected: yes.

PreventionGenetics, part of Exact Sciences
Classification: Benign for RNF43-related condition. Last evaluated: 2019-12-05. Review status: no assertion criteria provided. Collection method: clinical testing. Allele origin: germline. Not counted in ClinVar's aggregate classification.
Comment: This variant is classified as benign based on ACMG/AMP sequence variant interpretation guidelines (Richards et al. 2015 PMID: 25741868, with internal and published modifications).

NM_017763.6(RNF43):c.2057C>G (p.Pro686Arg)

Gene: RNF43 (ring finger protein 43; minus strand). Cytogenetic location: 17q22.
Variant type: single nucleotide variant.
Coding change: c.2057C>G on transcript NM_017763.6 (MANE Select); coding-DNA position 2057, C replaced by G.
Protein change: p.Pro686Arg; replaces proline 686 with arginine.
Molecular consequence: missense variant.
Genome position (GRCh38, 1-based): chr17:58,357,719, G>C on the plus strand (C>G on the coding strand, the complement: RNF43 is on the minus strand). VCF-style: chr17-58357719-G-C. GRCh37 (hg19) VCF-style: chr17-56435080-G-C.
Other names: p.Pro686Arg; c.2057C>G, p.Pro686Arg (NM_001305544.3); c.1676C>G, p.Pro559Arg (NM_001305545.2); short protein forms P559R, P686R.
Identifiers: ClinVar variation 1169209 (VCV001169209.22), dbSNP rs9652855, ClinGen allele CA8673073.